The following is an entry in ClinVar:

NM_000091.5(COL4A3):c.263G>C (p.Gly88Ala)

Genes: COL4A3 (collagen type IV alpha 3 chain; plus strand), MFF-DT (MFF divergent transcript; minus strand). Cytogenetic location: 2q36.3.
Variant type: single nucleotide variant.
Coding change: c.263G>C on transcript NM_000091.5 (MANE Select); coding-DNA position 263, G replaced by C.
Protein change: p.Gly88Ala; replaces glycine 88 with alanine.
Molecular consequence: missense variant.
Genome position (GRCh38, 1-based): chr2:227,244,348, G>C. VCF-style: chr2-227244348-G-C. GRCh37 (hg19) VCF-style: chr2-228109064-G-C.
Other names: short protein forms G88A.
Identifiers: ClinVar variation 4817229 (VCV004817229.2).

ClinVar aggregate classification (germline): Conflicting classifications of pathogenicity. Review status: criteria provided, conflicting classifications (1 of 4 stars). 2 submissions from 2 submitters: Likely pathogenic (1); Uncertain significance (1). Last evaluated 2026-03-10.

Conditions:
Alport syndrome. Also called: Hemorrhagic familial nephritis; Hemorrhagic hereditary nephritis; Congenital hereditary hematuria. Identifiers: Orphanet 63, MedGen C1567741, MONDO:0018965.

gnomAD v4.1: 1 of 1,613,886 alleles (0.000062%); highest among the groups gnomAD compares: Non-Finnish European, 0.000085%; no homozygotes.

Submissions (2):

Myriad Genetics, Inc.
Classification: Uncertain significance for Alport syndrome. Last evaluated: 2026-03-10. Review status: criteria provided, single submitter. Criteria: Myriad Autosomal Dominant, Autosomal Recessive and X-Linked Classification Criteria (2023). Collection method: clinical testing. Allele origin: unknown.
Comment: NM_000091.4(COL4A3):c.263G>C(G88A) is a missense variant classified as a variant of uncertain significance in the context of Alport syndrome, COL4A3-related. G88A has not been observed in cases with relevant disease. Relevant functional assessments of this variant are not available in the literature. Internal structural analysis of the variant is supportive of pathogenicity. G88A has not been observed in referenced population frequency databases. In summary, there is insufficient evidence to classify NM_000091.4(COL4A3):c.263G>C(G88A) as pathogenic or benign. Please note: this variant was assessed in the context of healthy population screening.

Natera, Inc.
Classification: Likely pathogenic for Alport syndrome. Last evaluated: 2026-01-12. Review status: criteria provided, single submitter. Criteria: Natera Variant Classification Schema (03/2026). Collection method: clinical testing. Allele origin: germline.
Comment: The c.263G>C variant in COL4A3 is a missense variant predicted to cause substitution of glycine to alanine at amino acid 88. This variant is rare in the general population with a frequency below the threshold expected for the associated phenotype(s). This variant is located in a functionally critical region of the protein. Computational prediction algorithms indicate this variant is likely to affect gene or protein function. Given the available evidence, this variant is classified as Likely Pathogenic.